The following is an entry in ClinVar:

NM_001040108.2(MLH3):c.3770C>G (p.Ser1257Cys)

Gene: MLH3 (mutL homolog 3; minus strand). Cytogenetic location: 14q24.3.
Variant type: single nucleotide variant.
Coding change: c.3770C>G on transcript NM_001040108.2 (MANE Select); coding-DNA position 3770, C replaced by G.
Protein change: p.Ser1257Cys; replaces serine 1257 with cysteine.
Molecular consequence: missense variant.
Genome position (GRCh38, 1-based): chr14:75,032,125, G>C on the plus strand (C>G on the coding strand, the complement: MLH3 is on the minus strand). VCF-style: chr14-75032125-G-C. GRCh37 (hg19) VCF-style: chr14-75498828-G-C.
Other names: c.3698C>G, p.Ser1233Cys (NM_014381.3); short protein forms S1233C, S1257C.
Identifiers: ClinVar variation 1427160 (VCV001427160.11), dbSNP rs2139401367, ClinGen allele CA390424927.

ClinVar aggregate classification (germline): Uncertain significance. Review status: criteria provided, multiple submitters, no conflicts (2 of 4 stars). 2 submissions from 2 submitters: Uncertain significance (2). Last evaluated 2024-09-24.

Conditions:
Colorectal cancer, hereditary nonpolyposis, type 7. Identifiers: Orphanet 144, MedGen C1858380, MONDO:0013725, OMIM 614385.

Submissions (2):

Ambry Genetics
Classification: Uncertain significance. Last evaluated: 2024-09-24. Review status: criteria provided, single submitter. Criteria: Ambry Variant Classification Scheme 2023. Collection method: clinical testing. Allele origin: germline.
Comment: The p.S1257C variant (also known as c.3770C>G), located in coding exon 7 of the MLH3 gene, results from a C to G substitution at nucleotide position 3770. The serine at codon 1257 is replaced by cysteine, an amino acid with dissimilar properties. This amino acid position is conserved. In addition, this alteration is predicted to be deleterious by in silico analysis. Since supporting evidence is limited at this time, the clinical significance of this alteration remains unclear.

Labcorp Genetics (formerly Invitae), Labcorp
Classification: Uncertain significance for Colorectal cancer, hereditary nonpolyposis, type 7. Last evaluated: 2021-01-01. Review status: criteria provided, single submitter. Criteria: Invitae Variant Classification Sherloc (09022015). Collection method: clinical testing. Allele origin: germline.
Comment: In summary, the available evidence is currently insufficient to determine the role of this variant in disease. Therefore, it has been classified as a Variant of Uncertain Significance. Algorithms developed to predict the effect of missense changes on protein structure and function are either unavailable or do not agree on the potential impact of this missense change (SIFT: "Tolerated"; PolyPhen-2: "Probably Damaging"; Align-GVGD: "Class C0"). This variant has not been reported in the literature in individuals with MLH3-related conditions. This variant is not present in population databases (ExAC no frequency). This sequence change replaces serine with cysteine at codon 1257 of the MLH3 protein (p.Ser1257Cys). The serine residue is highly conserved and there is a moderate physicochemical difference between serine and cysteine.